The following is an entry in ClinVar:

ClinVar aggregate classification (germline): Pathogenic (1 of 4 stars; one submission).

Conditions:
Hereditary spastic paraplegia 4. Also called: Familial spastic paraplegia autosomal dominant 2; Spastic paraplegia 4, autosomal dominant; Spastic Paraplegia 4. Identifiers: Orphanet 100985, MedGen C1866855, MONDO:0008438, OMIM 182601.

Submission:

Labcorp Genetics (formerly Invitae), Labcorp
Classification: Pathogenic for Hereditary spastic paraplegia 4. Last evaluated: 2024-01-03. Review status: criteria provided, single submitter. Criteria: Invitae Variant Classification Sherloc (09022015). Collection method: clinical testing. Allele origin: germline.
Comment: This sequence change affects an acceptor splice site in intron 14 of the SPAST gene. It is expected to disrupt RNA splicing. Variants that disrupt the donor or acceptor splice site typically lead to a loss of protein function (PMID: 16199547), and loss-of-function variants in SPAST are known to be pathogenic (PMID: 20932283). This variant is not present in population databases (gnomAD no frequency). Disruption of this splice site has been observed in individuals with hereditary spastic paraplegia (PMID: 12161613, 16682546, 22960362; Invitae). Algorithms developed to predict the effect of sequence changes on RNA splicing suggest that this variant may disrupt the consensus splice site. For these reasons, this variant has been classified as Pathogenic.

Literature cited by the submitters: PubMed 16199547; PubMed 20932283; PubMed 12161613; PubMed 16682546; PubMed 22960362.

NM_014946.4(SPAST):c.1617-1G>T

Gene: SPAST (spastin; plus strand). Cytogenetic location: 2p22.3.
Variant type: single nucleotide variant.
Coding change: c.1617-1G>T on transcript NM_014946.4 (MANE Select); the canonical splice acceptor site of the intron before coding-DNA position 1617, G replaced by T.
Molecular consequence: splice acceptor variant. On other transcripts: intron variant (1).
Genome position (GRCh38, 1-based): chr2:32,144,936, G>T. VCF-style: chr2-32144936-G-T. GRCh37 (hg19) VCF-style: chr2-32370005-G-T.
Other names: c.1521-1G>T (NM_199436.2); c.1520+1521G>T (NM_001377959.1); c.1614-1G>T (NM_001363823.2); c.1518-1G>T (NM_001363875.2).
Identifiers: ClinVar variation 2734155 (VCV002734155.3), dbSNP rs1553319526, ClinGen allele CA346504149.